The following is an entry in ClinVar:

NM_025099.6(CTC1):c.2035G>A (p.Gly679Ser)

Gene: CTC1 (CST telomere replication complex component 1; minus strand). Cytogenetic location: 17p13.1.
Variant type: single nucleotide variant.
Coding change: c.2035G>A on transcript NM_025099.6 (MANE Select); coding-DNA position 2035, G replaced by A.
Protein change: p.Gly679Ser; replaces glycine 679 with serine.
Molecular consequence: missense variant. On other transcripts: non-coding transcript variant (1).
Genome position (GRCh38, 1-based): chr17:8,232,386, C>T on the plus strand (G>A on the coding strand, the complement: CTC1 is on the minus strand). VCF-style: chr17-8232386-C-T. GRCh37 (hg19) VCF-style: chr17-8135704-C-T.
Other names: c.2035G>A, p.Gly679Ser (NM_001411067.1); short protein forms G679S.
Identifiers: ClinVar variation 3774636 (VCV003774636.1).

ClinVar aggregate classification (germline): Uncertain significance (1 of 4 stars; one submission).

gnomAD v4.1: 1 of 1,614,142 alleles (0.000062%); highest among the groups gnomAD compares: African/African-American, 0.0013%; no homozygotes.

Submission:

GeneDx
Classification: Uncertain significance. Last evaluated: 2024-09-25. Review status: criteria provided, single submitter. Criteria: GeneDx Variant Classification Process June 2021. Collection method: clinical testing. Allele origin: germline. Affected: yes.
Comment: Not observed at significant frequency in large population cohorts (gnomAD); In silico analysis indicates that this missense variant does not alter protein structure/function; Has not been previously published as pathogenic or benign to our knowledge